The following is an entry in ClinVar:

NM_001267550.2(TTN):c.57611_57612del (p.Thr19204fs)

Genes: TTN (titin; minus strand), TTN-AS1 (TTN antisense RNA 1; plus strand). Cytogenetic location: 2q31.2.
Variant type: Deletion.
Coding change: c.57611_57612del on transcript NM_001267550.2 (MANE Select); coding-DNA positions 57611 to 57612, 2 bases deleted (CA; older notation c.57611_57612delCA).
Protein change: p.Thr19204fs; shifts the reading frame from threonine 19204.
Molecular consequence: frameshift variant.
Genome position (GRCh38, 1-based): chr2:178,595,742-178,595,743, TG deleted on the plus strand (CA on the coding strand, the reverse complement: TTN is on the minus strand); deleting any 2 consecutive bases within chr2:178,595,742-178,595,744 gives the same sequence; the c. name uses the placement nearest the transcript's 3' end. VCF-style (leftmost placement, unchanged base first): chr2-178595741-ATG-A. GRCh37 (hg19) VCF-style: chr2-179460468-ATG-A.
Other names: c.52688_52689del, p.Thr17563fs (NM_001256850.1); c.30416_30417del, p.Thr10139fs (NM_003319.4); c.49907_49908del, p.Thr16636fs (NM_133378.4); c.30791_30792del, p.Thr10264fs (NM_133432.3); c.30992_30993del, p.Thr10331fs (NM_133437.4); short protein forms T10139fs, T10264fs, T10331fs, T16636fs, T17563fs, T19204fs.
Identifiers: ClinVar variation 3383941 (VCV003383941.1).
Genomic context (GRCh38, chr2:178,595,741, plus strand): 5'-CACGCTTTTCAATGACATAATTGGTGATTGGAGAGCCTCCATCATCTTCTGGAGAAAACC[ATG>A]TCAGTTTGCAGGACTCATTGGTTAGGTTGTGAGCTAGGAATGGTGTTCCAACGGGACCTG-3'

ClinVar aggregate classification (germline): Likely pathogenic (1 of 4 stars; one submission).

Conditions:
Dilated cardiomyopathy 1G (CMD1G). Identifiers: Orphanet 154, MedGen C1858763, MONDO:0011400, OMIM 604145.

Submission:

KardioGenetik, Herz- und Diabeteszentrum NRW
Classification: Likely pathogenic for Dilated cardiomyopathy 1G. Last evaluated: 2024-11-13. Review status: criteria provided, single submitter. Criteria: ACMG Guidelines, 2015. Collection method: clinical testing. Allele origin: unknown. Affected: yes. Observed: 1 variant allele.
Comment: This variant is not present in population databases (gnomAD v2.1.1).The change is predicted to be a nonsense mutation caused by a frameshift, which is associated with premature termination of the protein. For these reasons, this variant has been classified as likely pathogenic. PVS1, PM2 mod